The following is an entry in ClinVar:

ClinVar aggregate classification (germline): Conflicting classifications of pathogenicity. Review status: criteria provided, conflicting classifications (1 of 4 stars). 2 submissions from 2 submitters: Uncertain significance (1); Likely benign (1). Last evaluated 2025-03-22.

Conditions:
Cardiovascular phenotype. Identifiers: MedGen CN230736.

Allele frequency attached by ClinVar (database versions not stated): ExAC 0.00002; gnomAD exomes below 0.00001 and 0.00001; gnomAD 0.00001.
gnomAD v4.1: 5 of 1,613,980 alleles (0.00031%); highest among the groups gnomAD compares: Non-Finnish European, 0.00042%; no homozygotes.

Submissions (2):

Ambry Genetics
Classification: Likely benign for Cardiovascular phenotype. Last evaluated: 2025-03-22. Review status: criteria provided, single submitter. Criteria: Ambry Variant Classification Scheme 2023. Collection method: clinical testing. Allele origin: germline.

Labcorp Genetics (formerly Invitae), Labcorp
Classification: Uncertain significance. Last evaluated: 2023-08-30. Review status: criteria provided, single submitter. Criteria: Invitae Variant Classification Sherloc (09022015). Collection method: clinical testing. Allele origin: germline.
Comment: In summary, the available evidence is currently insufficient to determine the role of this variant in disease. Therefore, it has been classified as a Variant of Uncertain Significance. Advanced modeling of protein sequence and biophysical properties (such as structural, functional, and spatial information, amino acid conservation, physicochemical variation, residue mobility, and thermodynamic stability) performed at Invitae indicates that this missense variant is not expected to disrupt ABCG8 protein function. ClinVar contains an entry for this variant (Variation ID: 1512621). This variant has not been reported in the literature in individuals affected with ABCG8-related conditions. This variant is present in population databases (rs751950437, gnomAD 0.002%). This sequence change replaces serine, which is neutral and polar, with asparagine, which is neutral and polar, at codon 331 of the ABCG8 protein (p.Ser331Asn).

NM_022437.3(ABCG8):c.992G>A (p.Ser331Asn)

Gene: ABCG8 (ATP binding cassette subfamily G member 8; plus strand). Cytogenetic location: 2p21.
Variant type: single nucleotide variant.
Coding change: c.992G>A on transcript NM_022437.3 (MANE Select); coding-DNA position 992, G replaced by A.
Protein change: p.Ser331Asn; replaces serine 331 with asparagine.
Molecular consequence: missense variant.
Genome position (GRCh38, 1-based): chr2:43,872,003, G>A. VCF-style: chr2-43872003-G-A. GRCh37 (hg19) VCF-style: chr2-44099142-G-A.
Other names: c.992G>A, p.Ser331Asn (NM_001357321.2); c.992G>A (NM_022437.2); short protein forms S331N.
Identifiers: ClinVar variation 1512621 (VCV001512621.5), dbSNP rs751950437, ClinGen allele CA1637247.